The following is an entry in ClinVar:

ClinVar aggregate classification (germline): Uncertain significance (1 of 4 stars; one submission).

Conditions:
COG4-related disorder. Also called: COG4-related condition.

Submission:

PreventionGenetics, part of Exact Sciences
Classification: Uncertain significance for COG4-related condition. Last evaluated: 2023-07-22. Review status: criteria provided, single submitter. Criteria: ACMG Guidelines, 2015. Collection method: clinical testing. Allele origin: germline.
Comment: The COG4 c.2314delG variant is predicted to result in a frameshift and premature protein termination (p.Val772Cysfs*6). To our knowledge, this variant has not been reported in the literature or in a large population database, indicating this variant is rare. This variant occurs in the last exon of the gene and may not result in non-sense mediated decay. No other loss-of-function variants have been reported downstream of this variant (Human Gene Mutation Database). At this time, the clinical significance of this variant is uncertain due to the absence of conclusive functional and genetic evidence.

NM_015386.3(COG4):c.2314del (p.Val772fs)

Gene: COG4 (component of oligomeric golgi complex 4; minus strand). Cytogenetic location: 16q22.1.
Variant type: Deletion.
Coding change: c.2314del on transcript NM_015386.3 (MANE Select); coding-DNA position 2314, one base deleted (G; older notation c.2314delG).
Protein change: p.Val772fs; shifts the reading frame from valine 772.
Molecular consequence: frameshift variant. On other transcripts: non-coding transcript variant (1).
Genome position (GRCh38, 1-based): chr16:70,481,066, C deleted on the plus strand (G on the coding strand, the reverse complement: COG4 is on the minus strand); the first of 2 consecutive C bases (chr16:70,481,066-70,481,067); deleting either gives the same sequence. VCF-style (leftmost placement, unchanged base first): chr16-70481065-AC-A. GRCh37 (hg19) VCF-style: chr16-70514968-AC-A.
Other names: c.2239del, p.Val747fs (NM_001195139.2); c.1888del, p.Val630fs (NM_001365426.1); short protein forms V630fs, V747fs, V772fs.
Identifiers: ClinVar variation 2631609 (VCV002631609.1), dbSNP rs2507461116, ClinGen allele CA2695197679.